The following is an entry in ClinVar:

NM_004168.4(SDHA):c.102C>T (p.His34=)

Gene: SDHA (succinate dehydrogenase complex flavoprotein subunit A; plus strand). Cytogenetic location: 5p15.33.
Variant type: single nucleotide variant.
Coding change: c.102C>T on transcript NM_004168.4 (MANE Select); coding-DNA position 102, C replaced by T.
Protein change: p.His34=; no amino-acid change (histidine 34 retained).
Molecular consequence: synonymous variant.
Genome position (GRCh38, 1-based): chr5:223,520, C>T. VCF-style: chr5-223520-C-T. GRCh37 (hg19) VCF-style: chr5-223635-C-T.
Other names: c.102C>T, p.His34= (NM_001294332.2, NM_001330758.2).
Identifiers: ClinVar variation 1597287 (VCV001597287.13), dbSNP rs2126539644, ClinGen allele CA442689874.

ClinVar aggregate classification (germline): Conflicting classifications of pathogenicity. Review status: criteria provided, conflicting classifications (1 of 4 stars). 5 submissions from 5 submitters: Uncertain significance (1); Benign (1); Likely benign (3). Last evaluated 2025-07-25.

Conditions:
Hereditary cancer-predisposing syndrome. Also called: Neoplastic Syndromes, Hereditary; Tumor predisposition; Hereditary Cancer Syndrome; Hereditary neoplastic syndrome. Identifiers: Orphanet 140162, MedGen C0027672, MeSH D009386, MONDO:0015356.
Pheochromocytoma/paraganglioma syndrome 5. Also called: Paragangliomas 5; SDHA-Related Hereditary Paraganglioma-Pheochromocytoma Syndrome. Identifiers: Orphanet 29072, MedGen C3279992, MONDO:0013602, OMIM 614165.
Mitochondrial complex II deficiency, nuclear type 1. Also called: SUCCINATE CoQ REDUCTASE DEFICIENCY. Identifiers: Orphanet 3208, MedGen C5700310, MONDO:0100294, OMIM 252011.
Gastrointestinal stromal tumor. Also called: Gastrointestinal stromal tumor, somatic; Gastrointestinal stroma tumor. Identifiers: Orphanet 44890, MedGen C0238198, MeSH D046152, MONDO:0011719, OMIM 606764, HP:0100723.

Submissions (5):

Labcorp Genetics (formerly Invitae), Labcorp
Classification: Likely benign for Pheochromocytoma/paraganglioma syndrome 5; Mitochondrial complex II deficiency, nuclear type 1. Last evaluated: 2025-07-25. Review status: criteria provided, single submitter. Criteria: Invitae Variant Classification Sherloc (09022015). Collection method: clinical testing. Allele origin: germline.

Myriad Genetics, Inc.
Classification: Benign for Pheochromocytoma/paraganglioma syndrome 5. Last evaluated: 2025-02-28. Review status: criteria provided, single submitter. Criteria: Myriad Autosomal Dominant, Autosomal Recessive and X-Linked Classification Criteria (2023). Collection method: clinical testing. Allele origin: unknown.
Comment: This variant is considered benign. This variant is a silent/synonymous amino acid change and it is not expected to impact splicing.

GeneDx
Classification: Uncertain significance. Last evaluated: 2024-05-21. Review status: criteria provided, single submitter. Criteria: GeneDx Variant Classification Process June 2021. Collection method: clinical testing. Allele origin: germline. Affected: yes.
Comment: Not observed at significant frequency in large population cohorts (gnomAD); In silico analysis indicates that this variant does not alter splicing; Has not been previously published as pathogenic or benign to our knowledge

Department of Pathology and Laboratory Medicine, Sinai Health System
Classification: Likely benign for Gastrointestinal stromal tumor. Last evaluated: 2022-10-27. Review status: criteria provided, single submitter. Criteria: ACMG Guidelines, 2015. Collection method: clinical testing. Allele origin: germline. Affected: yes.

Ambry Genetics
Classification: Likely benign for Hereditary cancer-predisposing syndrome. Last evaluated: 2022-09-04. Review status: criteria provided, single submitter. Criteria: Ambry Variant Classification Scheme 2023. Collection method: clinical testing. Allele origin: germline.